The following is an entry in ClinVar:

ClinVar aggregate classification (germline): Uncertain significance (1 of 4 stars; one submission).

Allele frequency attached by ClinVar (database versions not stated): gnomAD 0.00001; TOPMed 0.00001; ExAC 0.00002; ESP Exome Variant Server 0.00008.

Submission:

Labcorp Genetics (formerly Invitae), Labcorp
Classification: Uncertain significance. Last evaluated: 2022-08-09. Review status: criteria provided, single submitter. Criteria: Invitae Variant Classification Sherloc (09022015). Collection method: clinical testing. Allele origin: germline.
Comment: In summary, the available evidence is currently insufficient to determine the role of this variant in disease. Therefore, it has been classified as a Variant of Uncertain Significance. Algorithms developed to predict the effect of missense changes on protein structure and function are either unavailable or do not agree on the potential impact of this missense change (SIFT: "Deleterious"; PolyPhen-2: "Probably Damaging"; Align-GVGD: "Class C0"). ClinVar contains an entry for this variant (Variation ID: 1353022). This variant has not been reported in the literature in individuals affected with SPARC-related conditions. This variant is present in population databases (rs371065357, gnomAD 0.01%). This sequence change replaces glutamic acid, which is acidic and polar, with lysine, which is basic and polar, at codon 162 of the SPARC protein (p.Glu162Lys).

NM_003118.4(SPARC):c.484G>A (p.Glu162Lys)

Gene: SPARC (secreted protein acidic and cysteine rich; minus strand). Cytogenetic location: 5q33.1.
Variant type: single nucleotide variant.
Coding change: c.484G>A on transcript NM_003118.4 (MANE Select); coding-DNA position 484, G replaced by A.
Protein change: p.Glu162Lys; replaces glutamic acid 162 with lysine.
Molecular consequence: missense variant.
Genome position (GRCh38, 1-based): chr5:151,667,568, C>T on the plus strand (G>A on the coding strand, the complement: SPARC is on the minus strand). VCF-style: chr5-151667568-C-T. GRCh37 (hg19) VCF-style: chr5-151047129-C-T.
Other names: c.481G>A, p.Glu161Lys (NM_001309443.2); c.484G>A, p.Glu162Lys (NM_001309444.2); short protein forms E161K, E162K.
Identifiers: ClinVar variation 1353022 (VCV001353022.6), dbSNP rs371065357, ClinGen allele CA3522669.
Genomic context (GRCh38, chr5:151,667,568, plus strand): 5'-CCCTCTCATACAGGGTGACCAGGACGTTCTTGAGCCAGTCCCGCATGCGCAGGGGGAATT[C>T]GGTCAGCTCAGAGTCCAGGCAAGGGGGGATGTCTAGGTTCCAAACACAAGGGCGGTCAGC-3'
Protein context (NP_003109.1, residues 152-172): IPPCLDSELT[Glu162Lys]FPLRMRDWLK